The following is an entry in ClinVar:

NM_005035.4(POLRMT):c.3389C>G (p.Ser1130Cys)

Gene: POLRMT (RNA polymerase mitochondrial; minus strand). Cytogenetic location: 19p13.3.
Variant type: single nucleotide variant.
Coding change: c.3389C>G on transcript NM_005035.4 (MANE Select); coding-DNA position 3389, C replaced by G.
Protein change: p.Ser1130Cys; replaces serine 1130 with cysteine.
Molecular consequence: missense variant. On other transcripts: non-coding transcript variant (1), intron variant (2).
Genome position (GRCh38, 1-based): chr19:618,521, G>C on the plus strand (C>G on the coding strand, the complement: POLRMT is on the minus strand). VCF-style: chr19-618521-G-C. GRCh37 (hg19) VCF-style: chr19-618521-G-C.
Other names: c.3026C>G, p.Ser1009Cys (NM_001407835.1); c.2987C>G, p.Ser996Cys (NM_001407836.1); c.3098+184C>G (NM_001407832.1); c.3323+184C>G (NM_001407816.1); c.3389C>G, p.Ser1130Cys (NM_001407805.1); c.3380C>G, p.Ser1127Cys (NM_001407806.1, NM_001407809.1); c.3377C>G, p.Ser1126Cys (NM_001407807.1, NM_001407810.1); c.3398C>G, p.Ser1133Cys (NM_001407808.1); and 7 more; short protein forms S1009C, S1019C, S1022C, S1055C, S1089C, S1104C, S1116C, S1117C.
Identifiers: ClinVar variation 2627213 (VCV002627213.1), dbSNP rs990376642, ClinGen allele CA303935496.

ClinVar aggregate classification (germline): Uncertain significance (1 of 4 stars; one submission).

Allele frequency attached by ClinVar (database versions not stated): gnomAD exomes below 0.00001.
gnomAD v4.1: 1 of 1,613,112 alleles (0.000062%); highest among the groups gnomAD compares: African/African-American, 0.0013%; no homozygotes.

Submission:

Women's Health and Genetics/Laboratory Corporation of America, LabCorp
Classification: Uncertain significance. Last evaluated: 2023-09-01. Review status: criteria provided, single submitter. Criteria: LabCorp Variant Classification Summary - May 2015. Collection method: clinical testing. Allele origin: germline.
Comment: Variant summary: POLRMT c.3389C>G (p.Ser1130Cys) results in a non-conservative amino acid change located in the DNA-directed RNA polymerase, C-terminal domain, phage-type (IPR046950) of the encoded protein sequence. Three of five in-silico tools predict a benign effect of the variant on protein function. The variant was absent in 249420 control chromosomes. The available data on variant occurrences in the general population are insufficient to allow any conclusion about variant significance. To our knowledge, no occurrence of c.3389C>G in individuals affected with Combined Oxidative Phosphorylation Deficiency 55 and no experimental evidence demonstrating its impact on protein function have been reported. No submitters have cited clinical-significance assessments for this variant to ClinVar after 2014. Based on the evidence outlined above, the variant was classified as uncertain significance.